The following is an entry in ClinVar:

ClinVar aggregate classification (germline): Conflicting classifications of pathogenicity. Review status: criteria provided, conflicting classifications (1 of 4 stars). 4 submissions from 4 submitters: Uncertain significance (2); Likely benign (1). 1 of the submissions does not count toward it. Last evaluated 2024-03-16.

Conditions:
Inborn genetic diseases. Identifiers: MedGen C0950123, MeSH D030342.
Nemaline myopathy 2 (NEM2). Also called: Nemaline myopathy 2, autosomal recessive. Identifiers: MedGen C1850569, MONDO:0009725, OMIM 256030.

Allele frequency attached by ClinVar (database versions not stated): gnomAD exomes below 0.00001 and 0.00001; TOPMed 0.00002; gnomAD 0.00003 and 0.00004; ExAC 0.00004.

Submissions (4):

Labcorp Genetics (formerly Invitae), Labcorp
Classification: Likely benign for Nemaline myopathy 2. Last evaluated: 2024-03-16. Review status: criteria provided, single submitter. Criteria: Invitae Variant Classification Sherloc (09022015). Collection method: clinical testing. Allele origin: germline.

Ambry Genetics
Classification: Uncertain significance for Inborn genetic diseases. Last evaluated: 2023-02-28. Review status: criteria provided, single submitter. Criteria: Ambry Variant Classification Scheme 2023. Collection method: clinical testing. Allele origin: germline.

Baylor Genetics
Classification: Uncertain significance for Nemaline myopathy 2. Last evaluated: 2018-01-18. Review status: criteria provided, single submitter. Criteria: ACMG Guidelines, 2015. Collection method: clinical testing. Allele origin: unknown. Affected: yes.
Comment: This variant was determined to be of uncertain significance according to ACMG Guidelines, 2015 [PMID:25741868].

Department of Pathology and Laboratory Medicine, Sinai Health System
Classification: Uncertain significance. Review status: no assertion criteria provided. Collection method: clinical testing. Allele origin: unknown. Affected: yes. Study: The Canadian Open Genetics Repository (COGR). Not counted in ClinVar's aggregate classification.
Comment: The NEB p.Ala1810Val variant was not identified in the literature nor was it identified in ClinVar or LOVD 3.0. The variant was identified in dbSNP (ID: rs752744680) and in control databases in 4 of 258238 chromosomes at a frequency of 0.00001549 (Genome Aggregation Database March 6, 2019, v2.1.1). The variant was observed in the following populations: African in 3 of 22586 chromosomes (freq: 0.000133) and Latino in 1 of 32710 chromosomes (freq: 0.000031), but was not observed in the Ashkenazi Jewish, East Asian, European (Finnish), European (non-Finnish), Other, or South Asian populations. The p.Ala1810 residue is not conserved in mammals and computational analyses (PolyPhen-2, SIFT, AlignGVGD, BLOSUM, MutationTaster) provide inconsistent predictions regarding the impact to the protein; this information is not very predictive of pathogenicity. The variant occurs outside of the splicing consensus sequence and in silico or computational prediction software programs (SpliceSiteFinder, MaxEntScan, NNSPLICE, GeneSplicer) do not predict a difference in splicing. In summary, based on the above information the clinical significance of this variant cannot be determined with certainty at this time. This variant is classified as a variant of uncertain significance.

NM_001164508.2(NEB):c.5429C>T (p.Ala1810Val)

Gene: NEB (nebulin; minus strand). Cytogenetic location: 2q23.3.
Variant type: single nucleotide variant.
Coding change: c.5429C>T on transcript NM_001164508.2 (MANE Select); coding-DNA position 5429, C replaced by T.
Protein change: p.Ala1810Val; replaces alanine 1810 with valine.
Molecular consequence: missense variant.
Genome position (GRCh38, 1-based): chr2:151,664,523, G>A on the plus strand (C>T on the coding strand, the complement: NEB is on the minus strand). VCF-style: chr2-151664523-G-A. GRCh37 (hg19) VCF-style: chr2-152521037-G-A.
Other names: c.5429C>T, p.Ala1810Val (NM_001164507.2, NM_001271208.2, NM_004543.5); c.5429C>T (NM_004543.4); short protein forms A1810V.
Identifiers: ClinVar variation 1032718 (VCV001032718.9), dbSNP rs752744680, ClinGen allele CA1910371.
Genomic context (GRCh38, chr2:151,664,523, plus strand): 5'-CTTGCTCAACCCCAAAAAGGCCCAGTGCAAGCACTTACATCACTGGCAATGTCTCTAGAG[G>A]CTCTTGCAGCCTTTATTGCAATGGCATCAGGCCTCAGGTCATATCCTTTCTTCTTTTCCT-3'
Protein context (NP_001157980.2, residues 1800-1820): PDAIAIKAAR[Ala1810Val]SRDIASDYKY